The following is an entry in ClinVar:

ClinVar aggregate classification (germline): Likely benign (1 of 4 stars; one submission).

Conditions:
MDN1-related disorder. Also called: MDN1-related condition.

gnomAD v4.1: 570 of 1,613,848 alleles (0.035%); highest among the groups gnomAD compares: South Asian, 0.47%; 4 homozygotes.

Submission:

PreventionGenetics, part of Exact Sciences
Classification: Likely benign for MDN1-related condition. Last evaluated: 2026-02-16. Review status: criteria provided, single submitter. Criteria: ACMG Guidelines, 2015. Collection method: clinical testing. Allele origin: germline.
Comment: This variant is classified as likely benign based on ACMG/AMP sequence variant interpretation guidelines (Richards et al. 2015 PMID: 25741868, with internal and published modifications).

NM_014611.3(MDN1):c.1364G>A (p.Arg455Gln)

Gene: MDN1 (midasin AAA ATPase 1; minus strand). Cytogenetic location: 6q15.
Variant type: single nucleotide variant.
Coding change: c.1364G>A on transcript NM_014611.3 (MANE Select); coding-DNA position 1364, G replaced by A.
Protein change: p.Arg455Gln; replaces arginine 455 with glutamine.
Molecular consequence: missense variant.
Genome position (GRCh38, 1-based): chr6:89,785,097, C>T on the plus strand (G>A on the coding strand, the complement: MDN1 is on the minus strand). VCF-style: chr6-89785097-C-T. GRCh37 (hg19) VCF-style: chr6-90494816-C-T.
Other names: short protein forms R455Q.
Identifiers: ClinVar variation 4982164 (VCV004982164.1).